The following is an entry in ClinVar:

ClinVar aggregate classification (germline): Uncertain significance (1 of 4 stars; one submission).

Allele frequency attached by ClinVar (database versions not stated): ExAC 0.00001; gnomAD 0.00001 and 0.00002; gnomAD exomes 0.00001; TOPMed 0.00004.
gnomAD v4.1: 5 of 1,590,076 alleles (0.00031%); highest among the groups gnomAD compares: African/African-American, 0.0072%; no homozygotes.

Submission:

Labcorp Genetics (formerly Invitae), Labcorp
Classification: Uncertain significance. Last evaluated: 2021-03-24. Review status: criteria provided, single submitter. Criteria: Invitae Variant Classification Sherloc (09022015). Collection method: clinical testing. Allele origin: germline.
Comment: In summary, the available evidence is currently insufficient to determine the role of this variant in disease. Therefore, it has been classified as a Variant of Uncertain Significance. Algorithms developed to predict the effect of missense changes on protein structure and function (SIFT, PolyPhen-2, Align-GVGD) all suggest that this variant is likely to be disruptive, but these predictions have not been confirmed by published functional studies and their clinical significance is uncertain. This variant has not been reported in the literature in individuals with LRRC56-related conditions. This variant is present in population databases (rs780079731, ExAC 0.01%). This sequence change replaces leucine with proline at codon 108 of the LRRC56 protein (p.Leu108Pro). The leucine residue is moderately conserved and there is a moderate physicochemical difference between leucine and proline.

NM_198075.4(LRRC56):c.323T>C (p.Leu108Pro)

Gene: LRRC56 (leucine rich repeat containing 56; plus strand). Cytogenetic location: 11p15.5.
Variant type: single nucleotide variant.
Coding change: c.323T>C on transcript NM_198075.4 (MANE Select); coding-DNA position 323, T replaced by C.
Protein change: p.Leu108Pro; replaces leucine 108 with proline.
Molecular consequence: missense variant.
Genome position (GRCh38, 1-based): chr11:544,777, T>C. VCF-style: chr11-544777-T-C. GRCh37 (hg19) VCF-style: chr11-544777-T-C.
Other names: short protein forms L108P.
Identifiers: ClinVar variation 1479717 (VCV001479717.8), dbSNP rs780079731, ClinGen allele CA5779630.